The following is an entry in ClinVar:

NM_001326411.2(PISD):c.509G>A (p.Arg170Gln)

Gene: PISD (phosphatidylserine decarboxylase; minus strand). Cytogenetic location: 22q12.2.
Variant type: single nucleotide variant.
Coding change: c.509G>A on transcript NM_001326411.2 (MANE Select); coding-DNA position 509, G replaced by A.
Protein change: p.Arg170Gln; replaces arginine 170 with glutamine.
Molecular consequence: missense variant.
Genome position (GRCh38, 1-based): chr22:31,621,698, C>T on the plus strand (G>A on the coding strand, the complement: PISD is on the minus strand). VCF-style: chr22-31621698-C-T. GRCh37 (hg19) VCF-style: chr22-32017684-C-T.
Other names: c.446G>A, p.Arg149Gln (NM_001326412.1, NM_001326413.2, NM_001326414.2); c.407G>A, p.Arg136Gln (NM_001326415.2, NM_001326416.2, NM_001326417.2 and 3 more transcripts); c.329G>A, p.Arg110Gln (NM_001326418.2, NM_001326420.2); c.509G>A, p.Arg170Gln (NM_001326421.1); c.407G>A (NM_014338.3); short protein forms R110Q, R136Q, R170Q, R149Q.
Identifiers: ClinVar variation 1351480 (VCV001351480.7), dbSNP rs781775700, ClinGen allele CA10194786.

ClinVar aggregate classification (germline): Uncertain significance. Review status: criteria provided, multiple submitters, no conflicts (2 of 4 stars). 2 submissions from 2 submitters: Uncertain significance (2). Last evaluated 2024-05-22.

Conditions:
Inborn genetic diseases. Identifiers: MedGen C0950123, MeSH D030342.

Allele frequency attached by ClinVar (database versions not stated): gnomAD exomes 0.00001; TOPMed 0.00005; gnomAD 0.00006.
gnomAD v4.1: 16 of 1,613,886 alleles (0.00099%); highest among the groups gnomAD compares: Admixed American, 0.017%; no homozygotes.

Submissions (2):

Labcorp Genetics (formerly Invitae), Labcorp
Classification: Uncertain significance. Last evaluated: 2024-05-22. Review status: criteria provided, single submitter. Criteria: Invitae Variant Classification Sherloc (09022015). Collection method: clinical testing. Allele origin: germline.
Comment: This sequence change replaces arginine, which is basic and polar, with glutamine, which is neutral and polar, at codon 170 of the PISD protein (p.Arg170Gln). This variant is present in population databases (rs781775700, gnomAD 0.006%). This variant has not been reported in the literature in individuals affected with PISD-related conditions. ClinVar contains an entry for this variant (Variation ID: 1351480). Advanced modeling of protein sequence and biophysical properties (such as structural, functional, and spatial information, amino acid conservation, physicochemical variation, residue mobility, and thermodynamic stability) performed at Invitae indicates that this missense variant is not expected to disrupt PISD protein function with a negative predictive value of 80%. In summary, the available evidence is currently insufficient to determine the role of this variant in disease. Therefore, it has been classified as a Variant of Uncertain Significance.

Ambry Genetics
Classification: Uncertain significance for Inborn genetic diseases. Last evaluated: 2021-11-22. Review status: criteria provided, single submitter. Criteria: Ambry Variant Classification Scheme 2023. Collection method: clinical testing. Allele origin: germline.